The following is an entry in ClinVar:

ClinVar aggregate classification (germline): Pathogenic/Likely pathogenic. Review status: criteria provided, multiple submitters, no conflicts (2 of 4 stars). 4 submissions from 3 submitters: Pathogenic (2); Likely pathogenic (1). 1 of the submissions does not count toward it. Last evaluated 2025-08-05.

Conditions:
Autosomal recessive polycystic kidney disease (ARPKD). Also called: AR polycystic kidney disease. Identifiers: Orphanet 731, Orphanet 8378, MedGen C0085548, MeSH D017044, MONDO:0009889.
Polycystic kidney disease 4 (PKD4). Also called: POLYCYSTIC KIDNEY DISEASE 4 WITH OR WITHOUT POLYCYSTIC LIVER DISEASE; POLYCYSTIC KIDNEY AND HEPATIC DISEASE 1; POLYCYSTIC KIDNEY DISEASE, INFANTILE, TYPE I; PKD3; Autosomal Recessive Polycystic Kidney Disease – PKHD1. Identifiers: MedGen C4540575, MONDO:0033004, OMIM 263200.

Submissions (4):

Natera, Inc.
Classification: Pathogenic for Autosomal recessive polycystic kidney disease. Last evaluated: 2025-08-05. Review status: criteria provided, single submitter. Criteria: Natera Variant Classification Schema (03/2026). Collection method: clinical testing. Allele origin: germline.
Comment: The c.8555-2A>G variant in PKHD1 is a canonical splice acceptor site variant predicted to affect pre-mRNA splicing, which may result in an abnormal transcript and altered protein product. This variant is expected to result in nonsense mediated decay, truncation, or a dysfunctional protein product. This variant is rare in the general population with a frequency below the threshold expected for the associated phenotype(s). This variant has been observed in one or more individuals affected with the associated recessive disease, as either homozygous or compound heterozygous with a second variant (PMID: 34008892). Given the available evidence, this variant is classified as Pathogenic.

Laboratory of Medical Genetics, National & Kapodistrian University of Athens
Classification: Likely pathogenic for Polycystic kidney disease 4. Last evaluated: 2024-02-01. Review status: criteria provided, single submitter. Criteria: ACMG Guidelines, 2015. Collection method: curation. Allele origin: germline. Affected: no.

Laboratory of Medical Genetics, National & Kapodistrian University of Athens
Classification: Pathogenic for Polycystic kidney disease 4. Last evaluated: 2018-10-18. Review status: criteria provided, single submitter. Criteria: ACMG Guidelines, 2015. Collection method: clinical testing. Allele origin: germline. Affected: yes.
Comment: PVS1, PM2, PP3, PP4, PP5

Counsyl
Classification: Likely pathogenic for Polycystic kidney disease 4. Last evaluated: 2017-09-01. Review status: no assertion criteria provided. Collection method: clinical testing. Allele origin: unknown. Not counted in ClinVar's aggregate classification.

Literature cited by the submitters: PubMed 34008892 (cited by Natera, Inc.).

NM_138694.4(PKHD1):c.8555-2A>G

Gene: PKHD1 (PKHD1 ciliary IPT domain containing fibrocystin/polyductin; minus strand). Cytogenetic location: 6p12.3.
Variant type: single nucleotide variant.
Coding change: c.8555-2A>G on transcript NM_138694.4 (MANE Select); the canonical splice acceptor site of the intron before coding-DNA position 8555, A replaced by G.
Molecular consequence: splice acceptor variant.
Genome position (GRCh38, 1-based): chr6:51,772,791, T>C on the plus strand (A>G on the coding strand, the complement: PKHD1 is on the minus strand). VCF-style: chr6-51772791-T-C. GRCh37 (hg19) VCF-style: chr6-51637589-T-C.
Other names: c.8555-2A>G (NM_170724.3).
Identifiers: ClinVar variation 553645 (VCV000553645.5), dbSNP rs1020621286, ClinGen allele CA364435817.